The following is an entry in ClinVar:

ClinVar aggregate classification (germline): Likely benign. Review status: criteria provided, multiple submitters, no conflicts (2 of 4 stars). 2 submissions from 2 submitters: Likely benign (2). Last evaluated 2024-12-22.

Conditions:
Familial temporal lobe epilepsy 7. Identifiers: Orphanet 101046, MedGen C4225327, MONDO:0014639, OMIM 616436.
Norman-Roberts syndrome (LIS2). Also called: Lissencephaly 2 (Norman-Roberts type). Identifiers: Orphanet 89844, MedGen C0796089, MONDO:0009760, OMIM 257320.
RELN-related disorder. Also called: RELN-related condition.

Allele frequency attached by ClinVar (database versions not stated): gnomAD exomes below 0.00001; gnomAD 0.00001; TOPMed 0.00003.
gnomAD v4.1: 2 of 1,614,032 alleles (0.00012%); highest among the groups gnomAD compares: Admixed American, 0.0017%; no homozygotes.

Submissions (2):

PreventionGenetics, part of Exact Sciences
Classification: Likely benign for RELN-related condition. Last evaluated: 2024-12-22. Review status: criteria provided, single submitter. Criteria: ACMG Guidelines, 2015. Collection method: clinical testing. Allele origin: germline.
Comment: This variant is classified as likely benign based on ACMG/AMP sequence variant interpretation guidelines (Richards et al. 2015 PMID: 25741868, with internal and published modifications).

Labcorp Genetics (formerly Invitae), Labcorp
Classification: Likely benign for Familial temporal lobe epilepsy 7; Norman-Roberts syndrome. Last evaluated: 2024-07-14. Review status: criteria provided, single submitter. Criteria: Invitae Variant Classification Sherloc (09022015). Collection method: clinical testing. Allele origin: germline.

NM_005045.4(RELN):c.9105G>A (p.Gly3035=)

Genes: RELN (reelin; minus strand), SLC26A5-AS1 (SLC26A5 antisense RNA 1; plus strand). Cytogenetic location: 7q22.1.
Variant type: single nucleotide variant.
Coding change: c.9105G>A on transcript NM_005045.4 (MANE Select); coding-DNA position 9105, G replaced by A.
Protein change: p.Gly3035=; no amino-acid change (glycine 3035 retained).
Molecular consequence: synonymous variant.
Genome position (GRCh38, 1-based): chr7:103,496,614, C>T on the plus strand (G>A on the coding strand, the complement: RELN is on the minus strand). VCF-style: chr7-103496614-C-T. GRCh37 (hg19) VCF-style: chr7-103137061-C-T.
Other names: c.9105G>A, p.Gly3035= (NM_173054.3).
Identifiers: ClinVar variation 475993 (VCV000475993.11), dbSNP rs1279644782, ClinGen allele CA457198098.